The following is an entry in ClinVar:

NM_016180.5(SLC45A2):c.563G>A (p.Gly188Asp)

Gene: SLC45A2 (solute carrier family 45 member 2; minus strand). Cytogenetic location: 5p13.2.
Variant type: single nucleotide variant.
Coding change: c.563G>A on transcript NM_016180.5 (MANE Select); coding-DNA position 563, G replaced by A.
Protein change: p.Gly188Asp; replaces glycine 188 with aspartic acid.
Molecular consequence: missense variant. On other transcripts: intron variant (1).
Genome position (GRCh38, 1-based): chr5:33,964,016, C>T on the plus strand (G>A on the coding strand, the complement: SLC45A2 is on the minus strand). VCF-style: chr5-33964016-C-T. GRCh37 (hg19) VCF-style: chr5-33964121-C-T.
Other names: c.563G>A, p.Gly188Asp (NM_001012509.4); c.563-9512G>A (NM_001297417.4); short protein forms G188D.
Identifiers: ClinVar variation 2734708 (VCV002734708.6), dbSNP rs1177355814, ClinGen allele CA359394409.

ClinVar aggregate classification (germline): Conflicting classifications of pathogenicity. Review status: criteria provided, conflicting classifications (1 of 4 stars). 3 submissions from 3 submitters: Pathogenic (1); Likely pathogenic (1); Uncertain significance (1). Last evaluated 2025-07-29.

Conditions:
SLC45A2-related disorder. Also called: SLC45A2-related condition.

Submissions (3):

Labcorp Genetics (formerly Invitae), Labcorp
Classification: Pathogenic. Last evaluated: 2025-07-29. Review status: criteria provided, single submitter. Criteria: Invitae Variant Classification Sherloc (09022015). Collection method: clinical testing. Allele origin: germline.
Comment: This sequence change replaces glycine, which is neutral and non-polar, with aspartic acid, which is acidic and polar, at codon 188 of the SLC45A2 protein (p.Gly188Asp). This variant is present in population databases (no rsID available, gnomAD 0.0009%). This missense change has been observed in individual(s) with albinism and/or oculocutaneous abinism (PMID: 23324268; internal data). In at least one individual the data is consistent with being in trans (on the opposite chromosome) from a pathogenic variant. ClinVar contains an entry for this variant (Variation ID: 2734708). An algorithm developed to predict the effect of missense changes on protein structure and function (PolyPhen-2) suggests that this variant is likely to be disruptive. This variant disrupts the p.Gly188 amino acid residue in SLC45A2. Other variant(s) that disrupt this residue have been determined to be pathogenic (PMID: 14961451, 19220778). This suggests that this residue is clinically significant, and that variants that disrupt this residue are likely to be disease-causing. For these reasons, this variant has been classified as Pathogenic.

Women's Health and Genetics/Laboratory Corporation of America, LabCorp
Classification: Uncertain significance. Last evaluated: 2025-04-28. Review status: criteria provided, single submitter. Criteria: LabCorp Variant Classification Summary - May 2015. Collection method: clinical testing. Allele origin: germline.
Comment: Variant summary: SLC45A2 c.563G>A (p.Gly188Asp) results in a non-conservative amino acid change in the encoded protein sequence. Five of five in-silico tools predict a damaging effect of the variant on protein function. Consensus agreement among computation tools predict no significant impact on normal splicing. However, these predictions have yet to be confirmed by functional studies. The variant allele was found at a frequency of 4e-06 in 250164 control chromosomes. c.563G>A has been observed in at-least two individuals affected with Oculocutaneous albinism (Wei_2013, Invitae submission at ClinVar). These data do not allow any conclusion about variant significance. To our knowledge, no experimental evidence demonstrating an impact on protein function has been reported. Additionally, at least one variant at the Gly188 residue has been reported as associated with disease (p.Gly188Val, PATH at ClinVar), suggesting that this codon is functionally important. The following publications has been ascertained in the context of this evaluation (PMID: 23324268). ClinVar contains an entry for this variant (Variation ID: 2734708). Based on the evidence outlined above, the variant was classified as VUS-possibly pathogenic.

Blueprint Genetics
Classification: Likely pathogenic for SLC45A2-related disorders. Last evaluated: 2022-10-25. Review status: criteria provided, single submitter. Criteria: ACMG Guidelines, 2015. Collection method: clinical testing. Allele origin: germline. Affected: yes. Observed: 1 variant allele.

Literature cited by the submitters: PubMed 23324268 (cited by Labcorp Genetics (formerly Invitae), Labcorp and Women's Health and Genetics/Laboratory Corporation of America, LabCorp); PubMed 14961451 (cited by Labcorp Genetics (formerly Invitae), Labcorp); PubMed 19220778 (cited by Labcorp Genetics (formerly Invitae), Labcorp).